The following is an entry in ClinVar:

NM_001690.4(ATP6V1A):c.1405T>G (p.Phe469Val)

Gene: ATP6V1A (ATPase H+ transporting V1 subunit A; plus strand). Cytogenetic location: 3q13.31.
Variant type: single nucleotide variant.
Coding change: c.1405T>G on transcript NM_001690.4 (MANE Select); coding-DNA position 1405, T replaced by G.
Protein change: p.Phe469Val; replaces phenylalanine 469 with valine.
Molecular consequence: missense variant.
Genome position (GRCh38, 1-based): chr3:113,798,357, T>G. VCF-style: chr3-113798357-T-G. GRCh37 (hg19) VCF-style: chr3-113517204-T-G.
Other names: short protein forms F469V.
Identifiers: ClinVar variation 3376553 (VCV003376553.1).

ClinVar aggregate classification (germline): Uncertain significance (1 of 4 stars; one submission).

Conditions:
Developmental and epileptic encephalopathy 93. Also called: EPILEPTIC ENCEPHALOPATHY, INFANTILE OR EARLY CHILDHOOD, 3. Identifiers: MedGen C4693934, MONDO:0020632, OMIM 618012.

Submission:

Victorian Clinical Genetics Services, Murdoch Childrens Research Institute
Classification: Uncertain significance for Developmental and epileptic encephalopathy 93. Last evaluated: 2022-06-24. Review status: criteria provided, single submitter. Criteria: ACMG Guidelines, 2015. Collection method: clinical testing. Allele origin: germline. Inheritance: Autosomal dominant inheritance. Affected: yes.
Comment: Based on the classification scheme VCGS_Germline_v1.3.4, this variant is classified as VUS-3B. Following criteria are met: 0102 - Loss of function is a known mechanism of disease in this gene and is associated with autosomal recessive cutis laxa type IID (MIM#617403) (PMID: 28065471). The mechanism of disease for dominant developmental and epileptic encephalopathy 93 (MIM#618012) is not established however, both loss of function and gain of function have been suggested (PMID: 29668857). (I) 0108 - This gene is associated with both recessive and dominant disease (OMIM). (I) 0200 - Variant is predicted to result in a missense amino acid change from phenylalanine to valine. (I) 0251 - This variant is heterozygous. (I) 0301 - Variant is absent from gnomAD (both v2 and v3). (SP) 0309 - An alternative amino acid change at the same position has been observed in gnomAD (v2) (1 heterozygote, 0 homozygotes). (I) 0502 - Missense variant with conflicting in silico predictions and high conservation. (I) 0604 - Variant is not located in an established domain, motif, hotspot or informative constraint region. (I) 0705 - No comparable missense variants have previous evidence for pathogenicity. (I) 0807 - This variant has no previous evidence of pathogenicity. (I) 0905 - No published segregation evidence has been identified for this variant. (I) 1007 - No published functional evidence has been identified for this variant. (I) 1208 - Inheritance information for this variant is not currently available in this individual. (I) Legend: (SP) - Supporting pathogenic, (I) - Information, (SB) - Supporting benign

Literature cited by the submitters: PubMed 28065471; PubMed 29668857.